The following is an entry in ClinVar:

ClinVar aggregate classification (germline): Uncertain significance (1 of 4 stars; one submission).

Allele frequency attached by ClinVar (database versions not stated): TOPMed below 0.00001; ExAC 0.00002.
gnomAD v4.1: 10 of 1,614,136 alleles (0.00062%); highest among the groups gnomAD compares: East Asian, 0.0022%; no homozygotes.

Submission:

Labcorp Genetics (formerly Invitae), Labcorp
Classification: Uncertain significance. Last evaluated: 2022-07-14. Review status: criteria provided, single submitter. Criteria: Invitae Variant Classification Sherloc (09022015). Collection method: clinical testing. Allele origin: germline.
Comment: In summary, the available evidence is currently insufficient to determine the role of this variant in disease. Therefore, it has been classified as a Variant of Uncertain Significance. This sequence change replaces threonine, which is neutral and polar, with methionine, which is neutral and non-polar, at codon 3407 of the ANK3 protein (p.Thr3407Met). This variant is present in population databases (rs763086860, gnomAD 0.006%). This variant has not been reported in the literature in individuals affected with ANK3-related conditions. Algorithms developed to predict the effect of missense changes on protein structure and function are either unavailable or do not agree on the potential impact of this missense change (SIFT: "Not Available"; PolyPhen-2: "Probably Damaging"; Align-GVGD: "Not Available").

NM_020987.5(ANK3):c.10220C>T (p.Thr3407Met)

Gene: ANK3 (ankyrin 3; minus strand). Cytogenetic location: 10q21.2.
Variant type: single nucleotide variant.
Coding change: c.10220C>T on transcript NM_020987.5 (MANE Select); coding-DNA position 10220, C replaced by T.
Protein change: p.Thr3407Met; replaces threonine 3407 with methionine.
Molecular consequence: missense variant. On other transcripts: intron variant (4).
Genome position (GRCh38, 1-based): chr10:60,070,661, G>A on the plus strand (C>T on the coding strand, the complement: ANK3 is on the minus strand). VCF-style: chr10-60070661-G-A. GRCh37 (hg19) VCF-style: chr10-61830419-G-A.
Other names: c.4388-2652C>T (NM_001204403.2); c.4409-2652C>T (NM_001204404.2); c.4406-2652C>T (NM_001320874.2); c.1808-2652C>T (NM_001149.4); short protein forms T3407M.
Identifiers: ClinVar variation 2040772 (VCV002040772.4), dbSNP rs763086860, ClinGen allele CA5511271.